The following is an entry in ClinVar:

ClinVar aggregate classification (germline): Uncertain significance (1 of 4 stars; one submission).

Conditions:
Bethlem myopathy 1A. Also called: MYOPATHY, BENIGN CONGENITAL, WITH CONTRACTURES; Bethlem Muscular Dystrophy; Bethlem myopathy 1. Identifiers: Orphanet 610, MedGen CN029274, MONDO:0024530, OMIM 158810.

Allele frequency attached by ClinVar (database versions not stated): gnomAD exomes below 0.00001; TOPMed 0.00002.
gnomAD v4.1: 6 of 1,614,262 alleles (0.00037%); highest among the groups gnomAD compares: Non-Finnish European, 0.00051%; no homozygotes.

Submission:

Labcorp Genetics (formerly Invitae), Labcorp
Classification: Uncertain significance for Bethlem myopathy 1A. Last evaluated: 2024-11-15. Review status: criteria provided, single submitter. Criteria: Invitae Variant Classification Sherloc (09022015). Collection method: clinical testing. Allele origin: germline.
Comment: This sequence change replaces alanine, which is neutral and non-polar, with threonine, which is neutral and polar, at codon 528 of the COL6A3 protein (p.Ala528Thr). This variant is not present in population databases (gnomAD no frequency). This variant has not been reported in the literature in individuals affected with COL6A3-related conditions. ClinVar contains an entry for this variant (Variation ID: 2075507). Invitae Evidence Modeling of protein sequence and biophysical properties (such as structural, functional, and spatial information, amino acid conservation, physicochemical variation, residue mobility, and thermodynamic stability) indicates that this missense variant is not expected to disrupt COL6A3 protein function with a negative predictive value of 95%. In summary, the available evidence is currently insufficient to determine the role of this variant in disease. Therefore, it has been classified as a Variant of Uncertain Significance.

NM_004369.4(COL6A3):c.1582G>A (p.Ala528Thr)

Gene: COL6A3 (collagen type VI alpha 3 chain; minus strand). Cytogenetic location: 2q37.3.
Variant type: single nucleotide variant.
Coding change: c.1582G>A on transcript NM_004369.4 (MANE Select); coding-DNA position 1582, G replaced by A.
Protein change: p.Ala528Thr; replaces alanine 528 with threonine.
Molecular consequence: missense variant.
Genome position (GRCh38, 1-based): chr2:237,381,230, C>T on the plus strand (G>A on the coding strand, the complement: COL6A3 is on the minus strand). VCF-style: chr2-237381230-C-T. GRCh37 (hg19) VCF-style: chr2-238289873-C-T.
Other names: c.361G>A, p.Ala121Thr (NM_057164.5, NM_057166.5); c.964G>A, p.Ala322Thr (NM_057165.5, NM_057167.4); short protein forms A322T, A121T, A528T.
Identifiers: ClinVar variation 2075507 (VCV002075507.4), dbSNP rs777431339, ClinGen allele CA67830599.